The following is an entry in ClinVar:

NM_153700.2(STRC):c.4561del (p.Arg1521fs)

Gene: STRC (stereocilin; minus strand). Cytogenetic location: 15q15.3.
Variant type: Deletion.
Coding change: c.4561del on transcript NM_153700.2 (MANE Select); coding-DNA position 4561, one base deleted (C; older notation c.4561delC).
Protein change: p.Arg1521fs; shifts the reading frame from arginine 1521.
Molecular consequence: frameshift variant.
Genome position (GRCh38, 1-based): chr15:43,601,536, G deleted on the plus strand (C on the coding strand, the reverse complement: STRC is on the minus strand); the first of 7 consecutive G bases (chr15:43,601,536-43,601,542); deleting any one gives the same sequence. VCF-style (leftmost placement, unchanged base first): chr15-43601535-CG-C. GRCh37 (hg19) VCF-style: chr15-43893733-CG-C.
Other names: short protein forms R1521fs.
Identifiers: ClinVar variation 4087734 (VCV004087734.1).

ClinVar aggregate classification (germline): Pathogenic (1 of 4 stars; one submission).

Conditions:
Monogenic hearing loss.

Submission:

Genetics Laboratory, Great Ormond Street Hospital NHS Foundation Trust, North Thames Genomic Laboratory Hub
Classification: Pathogenic for Monogenic hearing loss. Last evaluated: 2025-07-29. Review status: criteria provided, single submitter. Criteria: ACGS Best Practice Guidelines for Variant Classification in Rare Disease 2024 v1.2. Collection method: clinical testing. Allele origin: germline. Affected: yes.
Comment: PM2_moderate, PVS1_very-strong, PM3_strong